The following is an entry in ClinVar:

NM_021813.4(BACH2):c.2393G>A (p.Gly798Asp)

Gene: BACH2 (BACH transcriptional regulator 2; minus strand). Cytogenetic location: 6q15.
Variant type: single nucleotide variant.
Coding change: c.2393G>A on transcript NM_021813.4 (MANE Select); coding-DNA position 2393, G replaced by A.
Protein change: p.Gly798Asp; replaces glycine 798 with aspartic acid.
Molecular consequence: missense variant.
Genome position (GRCh38, 1-based): chr6:89,932,541, C>T on the plus strand (G>A on the coding strand, the complement: BACH2 is on the minus strand). VCF-style: chr6-89932541-C-T. GRCh37 (hg19) VCF-style: chr6-90642260-C-T.
Other names: c.2393G>A, p.Gly798Asp (NM_001170794.2); short protein forms G798D.
Identifiers: ClinVar variation 3700513 (VCV003700513.2).

ClinVar aggregate classification (germline): Uncertain significance (1 of 4 stars; one submission).

gnomAD v4.1: 2 of 1,614,062 alleles (0.00012%); highest among the groups gnomAD compares: East Asian, 0.0022%; no homozygotes.

Submission:

Labcorp Genetics (formerly Invitae), Labcorp
Classification: Uncertain significance. Last evaluated: 2025-02-04. Review status: criteria provided, single submitter. Criteria: Invitae Variant Classification Sherloc (09022015). Collection method: clinical testing. Allele origin: germline.
Comment: This sequence change replaces glycine, which is neutral and non-polar, with aspartic acid, which is acidic and polar, at codon 798 of the BACH2 protein (p.Gly798Asp). This variant is present in population databases (rs767049051, gnomAD 0.006%). This variant has not been reported in the literature in individuals affected with BACH2-related conditions. Invitae Evidence Modeling of protein sequence and biophysical properties (such as structural, functional, and spatial information, amino acid conservation, physicochemical variation, residue mobility, and thermodynamic stability) indicates that this missense variant is not expected to disrupt BACH2 protein function with a negative predictive value of 80%. In summary, the available evidence is currently insufficient to determine the role of this variant in disease. Therefore, it has been classified as a Variant of Uncertain Significance.